The following is an entry in ClinVar:

ClinVar aggregate classification (germline): Uncertain significance (1 of 4 stars; one submission).

gnomAD v4.1: 4 of 1,614,198 alleles (0.00025%); highest among the groups gnomAD compares: South Asian, 0.0011%; no homozygotes.

Submission:

Labcorp Genetics (formerly Invitae), Labcorp
Classification: Uncertain significance. Last evaluated: 2025-08-20. Review status: criteria provided, single submitter. Criteria: Invitae Variant Classification Sherloc (09022015). Collection method: clinical testing. Allele origin: germline.
Comment: This sequence change replaces serine, which is neutral and polar, with threonine, which is neutral and polar, at codon 3308 of the KMT2A protein (p.Ser3308Thr). This variant is not present in population databases (gnomAD no frequency). This variant has not been reported in the literature in individuals affected with KMT2A-related conditions. Invitae Evidence Modeling of protein sequence and biophysical properties (such as structural, functional, and spatial information, amino acid conservation, physicochemical variation, residue mobility, and thermodynamic stability) indicates that this missense variant is not expected to disrupt KMT2A protein function with a negative predictive value of 95%. In summary, the available evidence is currently insufficient to determine the role of this variant in disease. Therefore, it has been classified as a Variant of Uncertain Significance.

NM_001197104.2(KMT2A):c.9923G>C (p.Ser3308Thr)

Gene: KMT2A (lysine methyltransferase 2A; plus strand). Cytogenetic location: 11q23.3.
Variant type: single nucleotide variant.
Coding change: c.9923G>C on transcript NM_001197104.2 (MANE Select); coding-DNA position 9923, G replaced by C.
Protein change: p.Ser3308Thr; replaces serine 3308 with threonine.
Molecular consequence: missense variant.
Genome position (GRCh38, 1-based): chr11:118,505,815, G>C. VCF-style: chr11-118505815-G-C. GRCh37 (hg19) VCF-style: chr11-118376530-G-C.
Other names: c.10013G>C, p.Ser3338Thr (NM_001412597.1); c.9914G>C, p.Ser3305Thr (NM_005933.4); short protein forms S3308T, S3338T, S3305T.
Identifiers: ClinVar variation 4766511 (VCV004766511.1).